The following is an entry in ClinVar:

NM_001375524.1(TRRAP):c.2240C>T (p.Ala747Val)

Gene: TRRAP (transformation/transcription domain associated protein; plus strand). Cytogenetic location: 7q22.1.
Variant type: single nucleotide variant.
Coding change: c.2240C>T on transcript NM_001375524.1 (MANE Select); coding-DNA position 2240, C replaced by T.
Protein change: p.Ala747Val; replaces alanine 747 with valine.
Molecular consequence: missense variant.
Genome position (GRCh38, 1-based): chr7:98,915,763, C>T. VCF-style: chr7-98915763-C-T. GRCh37 (hg19) VCF-style: chr7-98513386-C-T.
Other names: c.2240C>T, p.Ala747Val (NM_001244580.2, NM_003496.4); short protein forms A747V.
Identifiers: ClinVar variation 4881307 (VCV004881307.2).

ClinVar aggregate classification (germline): Uncertain significance (1 of 4 stars; one submission).

gnomAD v4.1: 4 of 1,614,038 alleles (0.00025%); highest among the groups gnomAD compares: Admixed American, 0.0017%; no homozygotes.

Submission:

Dasa
Classification: Uncertain significance. Last evaluated: 2024-10-21. Review status: criteria provided, single submitter. Criteria: DASA Assertion Criteria. Collection method: clinical testing. Allele origin: germline.
Comment: NM_001375524.1(TRRAP):c.2240C>T (p.Ala747Val) is a missense variant that results in the substitution of alanine with valine. This variant is rare in population databases. The currently available literature and clinical evidence are not sufficient to establish a definitive association between this variant and the reported condition. Therefore, this variant is classified as a variant of uncertain significance.